The following is an entry in ClinVar:

ClinVar aggregate classification (germline): Uncertain significance (1 of 4 stars; one submission).

Conditions:
Pyogenic arthritis-pyoderma gangrenosum-acne syndrome (PAPA). Also called: PAPA SYNDROME; FAMILIAL RECURRENT ARTHRITIS. Identifiers: Orphanet 69126, MedGen C1858361, MONDO:0011462, OMIM 604416.

Allele frequency attached by ClinVar (database versions not stated): gnomAD 0.00002 and 0.00003.
gnomAD v4.1: 8 of 1,600,578 alleles (0.0005%); highest among the groups gnomAD compares: African/African-American, 0.004%; no homozygotes.

Submission:

Labcorp Genetics (formerly Invitae), Labcorp
Classification: Uncertain significance for Pyogenic arthritis-pyoderma gangrenosum-acne syndrome. Last evaluated: 2025-05-12. Review status: criteria provided, single submitter. Criteria: Invitae Variant Classification Sherloc (09022015). Collection method: clinical testing. Allele origin: germline.
Comment: This sequence change replaces isoleucine, which is neutral and non-polar, with methionine, which is neutral and non-polar, at codon 308 of the PSTPIP1 protein (p.Ile308Met). This variant is present in population databases (no rsID available, gnomAD 0.02%). This variant has not been reported in the literature in individuals affected with PSTPIP1-related conditions. ClinVar contains an entry for this variant (Variation ID: 1037720). Invitae Evidence Modeling of protein sequence and biophysical properties (such as structural, functional, and spatial information, amino acid conservation, physicochemical variation, residue mobility, and thermodynamic stability) indicates that this missense variant is not expected to disrupt PSTPIP1 protein function with a negative predictive value of 80%. In summary, the available evidence is currently insufficient to determine the role of this variant in disease. Therefore, it has been classified as a Variant of Uncertain Significance.

NM_003978.5(PSTPIP1):c.924A>G (p.Ile308Met)

Gene: PSTPIP1 (proline-serine-threonine phosphatase interacting protein 1; plus strand). Cytogenetic location: 15q24.3.
Variant type: single nucleotide variant.
Coding change: c.924A>G on transcript NM_003978.5 (MANE Select); coding-DNA position 924, A replaced by G.
Protein change: p.Ile308Met; replaces isoleucine 308 with methionine.
Molecular consequence: missense variant. On other transcripts: intron variant (1).
Genome position (GRCh38, 1-based): chr15:77,032,947, A>G. VCF-style: chr15-77032947-A-G. GRCh37 (hg19) VCF-style: chr15-77325288-A-G.
Other names: c.897A>G, p.Ile299Met (NM_001321136.2); c.1119A>G, p.Ile373Met (NM_001321137.1); c.872+519A>G (NM_001321135.2); short protein forms I373M, I308M, I299M.
Identifiers: ClinVar variation 1037720 (VCV001037720.8), dbSNP rs748788047, ClinGen allele CA393521491.